The following is an entry in ClinVar:

ClinVar aggregate classification (germline): Conflicting classifications of pathogenicity. Review status: criteria provided, conflicting classifications (1 of 4 stars). 6 submissions from 6 submitters: Uncertain significance (1); Likely benign (4). 1 of the submissions does not count toward it. Last evaluated 2026-01-20.

Conditions:
Cardiovascular phenotype. Identifiers: MedGen CN230736.
Glycogen storage disease, type II (IOPD). Also called: GLYCOGENOSIS, GENERALIZED, CARDIAC FORM; GSD II; POMPE DISEASE, INFANTILE-ONSET; GLYCOGEN STORAGE DISEASE II, INFANTILE-ONSET; ACID ALPHA-GLUCOSIDASE DEFICIENCY, INFANTILE-ONSET; GAA DEFICIENCY, INFANTILE-ONSET. Identifiers: Orphanet 365, MedGen C0017921, MONDO:0009290, OMIM 232300.

Allele frequency attached by ClinVar (database versions not stated): gnomAD exomes 0.00001; ExAC 0.00002; gnomAD 0.00018 and 0.00020; TOPMed 0.00018; ESP Exome Variant Server 0.00023.
gnomAD v4.1: 47 of 1,613,528 alleles (0.0029%); highest among the groups gnomAD compares: African/African-American, 0.051%; no homozygotes.

Submissions (6):

Labcorp Genetics (formerly Invitae), Labcorp
Classification: Likely benign for Glycogen storage disease, type II. Last evaluated: 2026-01-20. Review status: criteria provided, single submitter. Criteria: Invitae Variant Classification Sherloc (09022015). Collection method: clinical testing. Allele origin: germline.

Ambry Genetics
Classification: Likely benign for Cardiovascular phenotype. Last evaluated: 2022-03-04. Review status: criteria provided, single submitter. Criteria: Ambry Variant Classification Scheme 2023. Collection method: clinical testing. Allele origin: germline.

Genome-Nilou Lab
Classification: Likely benign for Glycogen storage disease, type II. Last evaluated: 2021-07-22. Review status: criteria provided, single submitter. Criteria: ACMG Guidelines, 2015. Collection method: clinical testing. Allele origin: germline. Affected: no.

Broad Center for Mendelian Genomics, Broad Institute of MIT and Harvard
Classification: Likely benign for Glycogen storage disease, type II. Last evaluated: 2020-01-22. Review status: criteria provided, single submitter. Criteria: ACMG Guidelines, 2015. Collection method: curation. Allele origin: germline. Inheritance: Autosomal recessive inheritance.
Comment: The c.2253C>T (p.Leu751=) variant in GAA has not been previously reported in individuals with Glycogen Storage Disease II but has been reported as a VUS by EGL Genetic Diagnostics and a likely benign variant by Invitae in ClinVar (Variation ID: 290924). This variant has been identified in 0.024% (6/24918) of African chromosomes by the Genome Aggregation Database (gnomAD; dbSNP rs140441758). Although this variant has been seen in the general population, its frequency is low enough to be consistent with a recessive carrier frequency. Computational prediction tools and conservation analyses suggest that this variant may not impact the protein, though this information is not predictive enough to rule out pathogenicity. However, novel synonymous variants supported by computational evidence without raised suspicion for an impact are likely benign (Richards 2015). In summary, although additional studies are required to fully establish its clinical significance, this variant is likely benign. ACMG/AMP Criteria applied: PM2, BP4, BP7 (Richards 2015).

Eurofins Ntd Llc (ga)
Classification: Uncertain significance. Last evaluated: 2018-02-07. Review status: criteria provided, single submitter. Criteria: EGL Classification Definitions 2015. Collection method: clinical testing. Allele origin: germline. Observed: 2 variant alleles, 2 heterozygotes.

Natera, Inc.
Classification: Likely benign for Glycogen storage disease type II. Last evaluated: 2021-02-24. Review status: no assertion criteria provided. Collection method: clinical testing. Allele origin: germline. Not counted in ClinVar's aggregate classification.

NM_000152.5(GAA):c.2253C>T (p.Leu751=)

Gene: GAA (alpha glucosidase; plus strand). Cytogenetic location: 17q25.3.
Variant type: single nucleotide variant.
Coding change: c.2253C>T on transcript NM_000152.5 (MANE Select); coding-DNA position 2253, C replaced by T.
Protein change: p.Leu751=; no amino-acid change (leucine 751 retained).
Molecular consequence: synonymous variant.
Genome position (GRCh38, 1-based): chr17:80,117,031, C>T. VCF-style: chr17-80117031-C-T. GRCh37 (hg19) VCF-style: chr17-78090830-C-T.
Other names: c.2253C>T (LRG_673t1); c.2253C>T, p.Leu751= (NM_001079803.3, NM_001079804.3).
Identifiers: ClinVar variation 290924 (VCV000290924.26), dbSNP rs140441758, ClinGen allele CA8815669.